The following is an entry in ClinVar:

NM_005477.3(HCN4):c.1760G>A (p.Arg587Gln)

Gene: HCN4 (hyperpolarization activated cyclic nucleotide gated potassium channel 4; minus strand). Cytogenetic location: 15q24.1.
Variant type: single nucleotide variant.
Coding change: c.1760G>A on transcript NM_005477.3 (MANE Select); coding-DNA position 1760, G replaced by A.
Protein change: p.Arg587Gln; replaces arginine 587 with glutamine.
Molecular consequence: missense variant.
Genome position (GRCh38, 1-based): chr15:73,325,173, C>T on the plus strand (G>A on the coding strand, the complement: HCN4 is on the minus strand). VCF-style: chr15-73325173-C-T. GRCh37 (hg19) VCF-style: chr15-73617514-C-T.
Other names: c.1760G>A (NM_005477.2); short protein forms R587Q.
Identifiers: ClinVar variation 1034552 (VCV001034552.10), dbSNP rs761600737, ClinGen allele CA7649188.

ClinVar aggregate classification (germline): Uncertain significance. Review status: criteria provided, multiple submitters, no conflicts (2 of 4 stars). 2 submissions from 2 submitters: Uncertain significance (2). Last evaluated 2025-12-15.

Conditions:
Brugada syndrome 8 (BRGDA8). Identifiers: Orphanet 130, MedGen C2751083, MONDO:0013148, OMIM 613123.
Cardiovascular phenotype. Identifiers: MedGen CN230736.

Allele frequency attached by ClinVar (database versions not stated): gnomAD exomes below 0.00001 and 0.00001; ExAC 0.00001; TOPMed 0.00001.
gnomAD v4.1: 6 of 1,614,128 alleles (0.00037%); highest among the groups gnomAD compares: South Asian, 0.0011%; no homozygotes.

Submissions (2):

Labcorp Genetics (formerly Invitae), Labcorp
Classification: Uncertain significance for Brugada syndrome 8. Last evaluated: 2025-12-15. Review status: criteria provided, single submitter. Criteria: Invitae Variant Classification Sherloc (09022015). Collection method: clinical testing. Allele origin: germline.
Comment: This sequence change replaces arginine, which is basic and polar, with glutamine, which is neutral and polar, at codon 587 of the HCN4 protein (p.Arg587Gln). This variant is present in population databases (rs761600737, gnomAD 0.003%). This variant has not been reported in the literature in individuals affected with HCN4-related conditions. ClinVar contains an entry for this variant (Variation ID: 1034552). Invitae Evidence Modeling of protein sequence and biophysical properties (such as structural, functional, and spatial information, amino acid conservation, physicochemical variation, residue mobility, and thermodynamic stability) has been performed for this missense variant. However, the output from this modeling did not meet the statistical confidence thresholds required to predict the impact of this variant on HCN4 protein function. In summary, the available evidence is currently insufficient to determine the role of this variant in disease. Therefore, it has been classified as a Variant of Uncertain Significance.

Ambry Genetics
Classification: Uncertain significance for Cardiovascular phenotype. Last evaluated: 2023-02-19. Review status: criteria provided, single submitter. Criteria: Ambry Variant Classification Scheme 2023. Collection method: clinical testing. Allele origin: germline.
Comment: The p.R587Q variant (also known as c.1760G>A), located in coding exon 6 of the HCN4 gene, results from a G to A substitution at nucleotide position 1760. The arginine at codon 587 is replaced by glutamine, an amino acid with highly similar properties. This amino acid position is conserved. In addition, the in silico prediction for this alteration is inconclusive. Since supporting evidence is limited at this time, the clinical significance of this alteration remains unclear.